The following is an entry in ClinVar:

ClinVar aggregate classification (germline): Uncertain significance. Review status: criteria provided, multiple submitters, no conflicts (2 of 4 stars). 2 submissions from 2 submitters: Uncertain significance (2). Last evaluated 2021-08-27.

Conditions:
Pitt-Hopkins-like syndrome 2 (PTHSL2). Identifiers: Orphanet 221150, Orphanet 600663, MedGen C3280479, MONDO:0013690, OMIM 614325.

Submissions (2):

Labcorp Genetics (formerly Invitae), Labcorp
Classification: Uncertain significance for Pitt-Hopkins-like syndrome 2. Last evaluated: 2021-08-27. Review status: criteria provided, single submitter. Criteria: Invitae Variant Classification Sherloc (09022015). Collection method: clinical testing. Allele origin: germline.
Comment: In summary, the available evidence is currently insufficient to determine the role of this variant in disease. Therefore, it has been classified as a Variant of Uncertain Significance. Algorithms developed to predict the effect of missense changes on protein structure and function are either unavailable or do not agree on the potential impact of this missense change (SIFT: "Tolerated"; PolyPhen-2: "Possibly Damaging"; Align-GVGD: "Class C0"). ClinVar contains an entry for this variant (Variation ID: 206274). This variant has not been reported in the literature in individuals affected with NRXN1-related conditions. This variant is not present in population databases (ExAC no frequency). This sequence change replaces serine with asparagine at codon 471 of the NRXN1 protein (p.Ser471Asn). The serine residue is highly conserved and there is a small physicochemical difference between serine and asparagine.

GeneDx
Classification: Uncertain significance. Last evaluated: 2017-02-16. Review status: criteria provided, single submitter. Criteria: GeneDx Variant Classification (06012015). Collection method: clinical testing. Allele origin: germline. Affected: yes.
Comment: The S471N variant has not been published as a mutation, nor has it been reported as a benign polymorphism to our knowledge. It was not observed in approximately 6,100 individuals of European and African American ancestry in the NHLBI Exome Sequencing Project, indicating it is not a common benign variant in these populations. The S471N variant is a conservative amino acid substitution, which is not likely to impact secondary protein structure as these residues share similar properties. However, this substitution occurs at a position that is conserved across species, and in silico analysis predicts this variant is probably damaging to the protein structure/function. Therefore, based on the currently available information, it is unclear whether this variant is a pathogenic mutation or a rare benign variant. The variant is found in EPILEPSYV2-1 panel(s).

NM_001330078.2(NRXN1):c.1292G>A (p.Ser431Asn)

Gene: NRXN1 (neurexin 1; minus strand). Cytogenetic location: 2p16.3.
Variant type: single nucleotide variant.
Coding change: c.1292G>A on transcript NM_001330078.2 (MANE Select); coding-DNA position 1292, G replaced by A.
Protein change: p.Ser431Asn; replaces serine 431 with asparagine.
Molecular consequence: missense variant.
Genome position (GRCh38, 1-based): chr2:50,620,050, C>T on the plus strand (G>A on the coding strand, the complement: NRXN1 is on the minus strand). VCF-style: chr2-50620050-C-T. GRCh37 (hg19) VCF-style: chr2-50847188-C-T.
Other names: p.S471N:AGT>AAT; c.1412G>A, p.Ser471Asn (NM_001135659.3); c.1268G>A, p.Ser423Asn (NM_001330077.2, NM_001330082.2, NM_001330095.2); c.1253G>A, p.Ser418Asn (NM_001330083.2, NM_001330084.2); c.1292G>A, p.Ser431Asn (NM_001330085.2, NM_001330086.2, NM_004801.6); c.1208G>A, p.Ser403Asn (NM_001330087.2, NM_001330096.2); c.1238G>A, p.Ser413Asn (NM_001330088.2); c.1289G>A, p.Ser430Asn (NM_001330093.2); and 1 more; short protein forms S471N, S431N, S418N, S427N, S413N, S403N, S430N, S423N.
Identifiers: ClinVar variation 206274 (VCV000206274.8), dbSNP rs796052788, ClinGen allele CA316194.
Genomic context (GRCh38, chr2:50,620,050, plus strand): 5'-TTAGGAATGATTCTGATGGCAACGATATTTACCTCTTTGAGACAGCCCATAAAGTTGTTA[C>T]TGACTGGTGACCCTGGAAGGTCGGCTGTGCTGGGACTGCCTCCAACATAGAAAAAGTCAT-3'
Protein context (NP_001317007.1, residues 421-441): STADLPGSPV[Ser431Asn]NNFMGCLKEV